The following is an entry in ClinVar:

NM_004104.5(FASN):c.7301C>T (p.Thr2434Ile)

Genes: FASN (fatty acid synthase; minus strand), LOC129390948 (MPRA-validated peak3028 silencer; plus strand). Cytogenetic location: 17q25.3.
Variant type: single nucleotide variant.
Coding change: c.7301C>T on transcript NM_004104.5 (MANE Select); coding-DNA position 7301, C replaced by T.
Protein change: p.Thr2434Ile; replaces threonine 2434 with isoleucine.
Molecular consequence: missense variant.
Genome position (GRCh38, 1-based): chr17:82,079,454, G>A on the plus strand (C>T on the coding strand, the complement: FASN is on the minus strand). VCF-style: chr17-82079454-G-A. GRCh37 (hg19) VCF-style: chr17-80037330-G-A.
Other names: c.7301C>T (NM_004104.4); short protein forms T2434I.
Identifiers: ClinVar variation 2769936 (VCV002769936.4), dbSNP rs755372392, ClinGen allele CA8851043.
Genomic context (GRCh38, chr17:82,079,454, plus strand): 5'-TAGGCGCCACCCGTCTTGGCGCGCAGTAGCATCACGTTGCCATGGTACTTGGCCTTGGGT[G>A]TGTACTGCTCAGCGGCACGCAGCTTGTAGTAGAAGGACCGGGCCGCAAAGCTCAGCTCCT-3'
Protein context (NP_004095.4, residues 2424-2444): YYKLRAAEQY[Thr2434Ile]PKAKYHGNVM

ClinVar aggregate classification (germline): Uncertain significance. Review status: criteria provided, multiple submitters, no conflicts (2 of 4 stars). 2 submissions from 2 submitters: Uncertain significance (2). Last evaluated 2025-09-05.

Conditions:
Epileptic encephalopathy. Identifiers: MedGen C0543888, HP:0200134.

Allele frequency attached by ClinVar (database versions not stated): TOPMed 0.00001; gnomAD exomes 0.00002; gnomAD 0.00003; ExAC 0.00007.
gnomAD v4.1: 34 of 1,612,916 alleles (0.0021%); highest among the groups gnomAD compares: East Asian, 0.067%; no homozygotes.

Submissions (2):

Ambry Genetics
Classification: Uncertain significance. Last evaluated: 2025-09-05. Review status: criteria provided, single submitter. Criteria: Ambry Variant Classification Scheme 2023. Collection method: clinical testing. Allele origin: germline.

Labcorp Genetics (formerly Invitae), Labcorp
Classification: Uncertain significance for Epileptic encephalopathy. Last evaluated: 2024-05-15. Review status: criteria provided, single submitter. Criteria: Invitae Variant Classification Sherloc (09022015). Collection method: clinical testing. Allele origin: germline.
Comment: This sequence change replaces threonine, which is neutral and polar, with isoleucine, which is neutral and non-polar, at codon 2434 of the FASN protein (p.Thr2434Ile). This variant is present in population databases (rs755372392, gnomAD 0.07%), and has an allele count higher than expected for a pathogenic variant. This variant has not been reported in the literature in individuals affected with FASN-related conditions. Algorithms developed to predict the effect of missense changes on protein structure and function output the following: SIFT: "Not Available"; PolyPhen-2: "Benign"; Align-GVGD: "Not Available". The isoleucine amino acid residue is found in multiple mammalian species, which suggests that this missense change does not adversely affect protein function. In summary, the available evidence is currently insufficient to determine the role of this variant in disease. Therefore, it has been classified as a Variant of Uncertain Significance.